The following is an entry in ClinVar:

NM_015512.5(DNAH1):c.3202G>A (p.Val1068Met)

Gene: DNAH1 (dynein axonemal heavy chain 1; plus strand). Cytogenetic location: 3p21.1.
Variant type: single nucleotide variant.
Coding change: c.3202G>A on transcript NM_015512.5 (MANE Select); coding-DNA position 3202, G replaced by A.
Protein change: p.Val1068Met; replaces valine 1068 with methionine.
Molecular consequence: missense variant.
Genome position (GRCh38, 1-based): chr3:52,353,277, G>A. VCF-style: chr3-52353277-G-A. GRCh37 (hg19) VCF-style: chr3-52387293-G-A.
Other names: p.Val1068Met; short protein forms V1068M.
Identifiers: ClinVar variation 577602 (VCV000577602.15), dbSNP rs201455697, ClinGen allele CA2433498.

ClinVar aggregate classification (germline): Uncertain significance. Review status: criteria provided, multiple submitters, no conflicts (2 of 4 stars). 6 submissions from 6 submitters: Uncertain significance (5). 1 of the submissions does not count toward it. Last evaluated 2024-11-21.

Conditions:
Spermatogenic failure 18. Identifiers: MedGen C4539783, MONDO:0054615, OMIM 617576.
Ciliary dyskinesia, primary, 37 (CILD37). Also called: CILIARY DYSKINESIA, PRIMARY, 37, WITH OR WITHOUT SITUS INVERSUS. Identifiers: MedGen C4539798, MONDO:0033204, OMIM 617577.
DNAH1-related disorder. Also called: DNAH1-related condition.

Allele frequency attached by ClinVar (database versions not stated): gnomAD 0.00038 and 0.00041; TOPMed 0.00041; ESP Exome Variant Server 0.00055; ExAC 0.00064.
gnomAD v4.1: 1,189 of 1,613,818 alleles (0.074%); highest among the groups gnomAD compares: Admixed American, 0.097%; 2 homozygotes.

Submissions (6):

Blueprint Genetics
Classification: Uncertain significance. Last evaluated: 2024-11-21. Review status: criteria provided, single submitter. Criteria: ACMG Guidelines, 2015. Collection method: clinical testing. Allele origin: germline.

Mayo Clinic Laboratories, Mayo Clinic
Classification: Uncertain significance. Last evaluated: 2024-10-15. Review status: criteria provided, single submitter. Criteria: ACMG Guidelines, 2015. Collection method: clinical testing. Allele origin: germline. Observed: 2 variant alleles.
Comment: BP4

Fulgent Genetics
Classification: Uncertain significance for Spermatogenic failure 18; Ciliary dyskinesia, primary, 37. Last evaluated: 2024-04-30. Review status: criteria provided, single submitter. Criteria: ACMG Guidelines, 2015. Collection method: clinical testing. Allele origin: germline.

Labcorp Genetics (formerly Invitae), Labcorp
Classification: Uncertain significance for Ciliary dyskinesia, primary, 37; Spermatogenic failure 18. Last evaluated: 2023-12-24. Review status: criteria provided, single submitter. Criteria: Invitae Variant Classification Sherloc (09022015). Collection method: clinical testing. Allele origin: germline.
Comment: This sequence change replaces valine, which is neutral and non-polar, with methionine, which is neutral and non-polar, at codon 1068 of the DNAH1 protein (p.Val1068Met). This variant is present in population databases (rs201455697, gnomAD 0.2%), and has an allele count higher than expected for a pathogenic variant. This variant has not been reported in the literature in individuals affected with DNAH1-related conditions. ClinVar contains an entry for this variant (Variation ID: 577602). Advanced modeling of protein sequence and biophysical properties (such as structural, functional, and spatial information, amino acid conservation, physicochemical variation, residue mobility, and thermodynamic stability) performed at Invitae indicates that this missense variant is expected to disrupt DNAH1 protein function with a positive predictive value of 80%. In summary, the available evidence is currently insufficient to determine the role of this variant in disease. Therefore, it has been classified as a Variant of Uncertain Significance.

Revvity Omics, Revvity
Classification: Uncertain significance. Last evaluated: 2021-08-10. Review status: criteria provided, single submitter. Criteria: ACMG Guidelines, 2015. Collection method: clinical testing. Allele origin: germline.

PreventionGenetics, part of Exact Sciences
Classification: Likely benign for DNAH1-related condition. Last evaluated: 2023-03-08. Review status: no assertion criteria provided. Collection method: clinical testing. Allele origin: germline. Not counted in ClinVar's aggregate classification.
Comment: This variant is classified as likely benign based on ACMG/AMP sequence variant interpretation guidelines (Richards et al. 2015 PMID: 25741868, with internal and published modifications).